The following is an entry in ClinVar:

NM_002471.4(MYH6):c.1516G>C (p.Gly506Arg)

Gene: MYH6 (myosin heavy chain 6; minus strand). Cytogenetic location: 14q11.2.
Variant type: single nucleotide variant.
Coding change: c.1516G>C on transcript NM_002471.4 (MANE Select); coding-DNA position 1516, G replaced by C.
Protein change: p.Gly506Arg; replaces glycine 506 with arginine.
Molecular consequence: missense variant.
Genome position (GRCh38, 1-based): chr14:23,400,321, C>G on the plus strand (G>C on the coding strand, the complement: MYH6 is on the minus strand). VCF-style: chr14-23400321-C-G. GRCh37 (hg19) VCF-style: chr14-23869530-C-G.
Other names: short protein forms G506R.
Identifiers: ClinVar variation 2097038 (VCV002097038.4), dbSNP rs1390583534, ClinGen allele CA389022545.
Genomic context (GRCh38, chr14:23,400,321, plus strand): 5'-CGATGAGGTCAATGCAGGCCTGCAGGTCCATGCCAAAGTCAATGAATGTCCACTCAATGC[C>G]CTCCTTCTTGTACTCCTCCTGCTCCAGCACGAACATGTGGTGGTTGAAGAACTGCTGCAG-3'
Protein context (NP_002462.2, residues 496-516): VLEQEEYKKE[Gly506Arg]IEWTFIDFGM

ClinVar aggregate classification (germline): Uncertain significance (1 of 4 stars; one submission).

Conditions:
Hypertrophic cardiomyopathy 14. Identifiers: MedGen C2750467, MONDO:0013197, OMIM 613251.

Submission:

Labcorp Genetics (formerly Invitae), Labcorp
Classification: Uncertain significance for Hypertrophic cardiomyopathy 14. Last evaluated: 2022-02-12. Review status: criteria provided, single submitter. Criteria: Invitae Variant Classification Sherloc (09022015). Collection method: clinical testing. Allele origin: germline.
Comment: Algorithms developed to predict the effect of missense changes on protein structure and function are either unavailable or do not agree on the potential impact of this missense change (SIFT: "Deleterious"; PolyPhen-2: "Probably Damaging"; Align-GVGD: "Class C0"). In summary, the available evidence is currently insufficient to determine the role of this variant in disease. Therefore, it has been classified as a Variant of Uncertain Significance. This variant has not been reported in the literature in individuals affected with MYH6-related conditions. This variant is not present in population databases (gnomAD no frequency). This sequence change replaces glycine, which is neutral and non-polar, with arginine, which is basic and polar, at codon 506 of the MYH6 protein (p.Gly506Arg).